The following is an entry in ClinVar:

ClinVar aggregate classification (germline): Conflicting classifications of pathogenicity. Review status: criteria provided, conflicting classifications (1 of 4 stars). 3 submissions from 3 submitters: Uncertain significance (1); Likely benign (1). 1 of the submissions does not count toward it. Last evaluated 2025-08-18.

Conditions:
IFT172-related disorder. Also called: IFT172-related disorders; IFT172-related condition.
Retinitis pigmentosa 71 (RP71). Identifiers: Orphanet 791, MedGen C4225342, MONDO:0014618, OMIM 616394.
Short-rib thoracic dysplasia 10 with or without polydactyly (SRTD10). Identifiers: Orphanet 474, MedGen C3810175, MONDO:0014284, OMIM 615630.
Bardet-Biedl syndrome 20. Identifiers: MedGen C4310707, MONDO:0023670, OMIM 619471, MONDO:0014926.

Allele frequency attached by ClinVar (database versions not stated): gnomAD exomes 0.00001 and 0.00002; TOPMed 0.00003; gnomAD 0.00004.
gnomAD v4.1: 18 of 1,613,960 alleles (0.0011%); highest among the groups gnomAD compares: African/African-American, 0.0093%; no homozygotes.

Submissions (3):

Labcorp Genetics (formerly Invitae), Labcorp
Classification: Likely benign for Retinitis pigmentosa 71; Short-rib thoracic dysplasia 10 with or without polydactyly. Last evaluated: 2025-08-18. Review status: criteria provided, single submitter. Criteria: Invitae Variant Classification Sherloc (09022015). Collection method: clinical testing. Allele origin: germline.

Fulgent Genetics
Classification: Uncertain significance for Short-rib thoracic dysplasia 10 with or without polydactyly; Retinitis pigmentosa 71; Bardet-Biedl syndrome 20. Last evaluated: 2022-05-28. Review status: criteria provided, single submitter. Criteria: ACMG Guidelines, 2015. Collection method: clinical testing. Allele origin: unknown.

PreventionGenetics, part of Exact Sciences
Classification: Uncertain significance for IFT172-related condition. Last evaluated: 2024-04-18. Review status: no assertion criteria provided. Collection method: clinical testing. Allele origin: germline. Not counted in ClinVar's aggregate classification.
Comment: The IFT172 c.2222G>A variant is predicted to result in the amino acid substitution p.Arg741His. To our knowledge, this variant has not been reported in the literature. This variant is reported in 0.0080% of alleles in individuals of African descent in gnomAD. At this time, the clinical significance of this variant is uncertain due to the absence of conclusive functional and genetic evidence.

NM_015662.3(IFT172):c.2222G>A (p.Arg741His)

Gene: IFT172 (intraflagellar transport 172; minus strand). Cytogenetic location: 2p23.3.
Variant type: single nucleotide variant.
Coding change: c.2222G>A on transcript NM_015662.3 (MANE Select); coding-DNA position 2222, G replaced by A.
Protein change: p.Arg741His; replaces arginine 741 with histidine.
Molecular consequence: missense variant.
Genome position (GRCh38, 1-based): chr2:27,461,489, C>T on the plus strand (G>A on the coding strand, the complement: IFT172 is on the minus strand). VCF-style: chr2-27461489-C-T. GRCh37 (hg19) VCF-style: chr2-27684356-C-T.
Other names: short protein forms R741H.
Identifiers: ClinVar variation 960647 (VCV000960647.13), dbSNP rs1011923461, ClinGen allele CA44498195.